The following is an entry in ClinVar:

ClinVar aggregate classification (germline): Conflicting classifications of pathogenicity. Review status: criteria provided, conflicting classifications (1 of 4 stars). 7 submissions from 7 submitters: Uncertain significance (5); Likely benign (1). 1 of the submissions does not count toward it. Last evaluated 2023-06-29.

Conditions:
GNE myopathy (NM). Also called: INCLUSION BODY MYOPATHY, HEREDITARY, AUTOSOMAL RECESSIVE; INCLUSION BODY MYOPATHY 2, AUTOSOMAL RECESSIVE; MYOPATHY, DISTAL, WITH OR WITHOUT RIMMED VACUOLES; IBM 2; Inclusion body myopathy autosomal recessive; Inclusion body myopathy quadriceps sparing. Identifiers: Orphanet 602, MedGen C1853926, MONDO:0011603, OMIM 605820.
Inborn genetic diseases. Identifiers: MedGen C0950123, MeSH D030342.
Sialuria. Also called: Sialic Acid Storage Disease; SIALURIA, FRENCH TYPE. Identifiers: Orphanet 3166, MedGen C0342853, MONDO:0010028, OMIM 269921.

Allele frequency attached by ClinVar (database versions not stated): ExAC 0.00002; TOPMed 0.00002; gnomAD exomes 0.00003.
gnomAD v4.1: 63 of 1,613,342 alleles (0.0039%); highest among the groups gnomAD compares: Non-Finnish European, 0.005%; no homozygotes.

Submissions (7):

Ambry Genetics
Classification: Likely benign for Inborn genetic diseases. Last evaluated: 2023-06-29. Review status: criteria provided, single submitter. Criteria: Ambry Variant Classification Scheme 2023. Collection method: clinical testing. Allele origin: germline.

Labcorp Genetics (formerly Invitae), Labcorp
Classification: Uncertain significance for Sialuria; GNE myopathy. Last evaluated: 2022-08-16. Review status: criteria provided, single submitter. Criteria: Invitae Variant Classification Sherloc (09022015). Collection method: clinical testing. Allele origin: germline.
Comment: This sequence change replaces alanine, which is neutral and non-polar, with valine, which is neutral and non-polar, at codon 667 of the GNE protein (p.Ala667Val). This variant is present in population databases (rs756488394, gnomAD 0.005%). This variant has not been reported in the literature in individuals affected with GNE-related conditions. ClinVar contains an entry for this variant (Variation ID: 499322). Advanced modeling of protein sequence and biophysical properties (such as structural, functional, and spatial information, amino acid conservation, physicochemical variation, residue mobility, and thermodynamic stability) performed at Invitae indicates that this missense variant is not expected to disrupt GNE protein function. In summary, the available evidence is currently insufficient to determine the role of this variant in disease. Therefore, it has been classified as a Variant of Uncertain Significance.

Blueprint Genetics
Classification: Uncertain significance. Last evaluated: 2022-08-11. Review status: criteria provided, single submitter. Criteria: ACMG Guidelines, 2015. Collection method: clinical testing. Allele origin: germline.

GeneDx
Classification: Uncertain significance. Last evaluated: 2019-09-19. Review status: criteria provided, single submitter. Criteria: GeneDx Variant Classification Process June 2021. Collection method: clinical testing. Allele origin: germline. Affected: yes.
Comment: Not observed at a significant frequency in large population cohorts (Lek et al., 2016); In silico analysis, which includes protein predictors and evolutionary conservation, supports that this variant does not alter protein structure/function; Has not been previously published as pathogenic or benign to our knowledge

Revvity Omics, Revvity
Classification: Uncertain significance. Last evaluated: 2019-05-22. Review status: criteria provided, single submitter. Criteria: ACMG Guidelines, 2015. Collection method: clinical testing. Allele origin: germline.

Eurofins Ntd Llc (ga)
Classification: Uncertain significance. Last evaluated: 2017-01-04. Review status: criteria provided, single submitter. Criteria: EGL Classification Definitions 2015. Collection method: clinical testing. Allele origin: germline. Observed: 1 variant allele, 1 heterozygote.

Natera, Inc.
Classification: Uncertain significance for Nonaka myopathy. Last evaluated: 2020-02-21. Review status: no assertion criteria provided. Collection method: clinical testing. Allele origin: germline. Not counted in ClinVar's aggregate classification.

NM_005476.7(GNE):c.1907C>T (p.Ala636Val)

Gene: GNE (glucosamine (UDP-N-acetyl)-2-epimerase/N-acetylmannosamine kinase; minus strand). Cytogenetic location: 9p13.3.
Variant type: single nucleotide variant.
Coding change: c.1907C>T on transcript NM_005476.7 (MANE Select); coding-DNA position 1907, C replaced by T.
Protein change: p.Ala636Val; replaces alanine 636 with valine.
Molecular consequence: missense variant.
Genome position (GRCh38, 1-based): chr9:36,218,209, G>A on the plus strand (C>T on the coding strand, the complement: GNE is on the minus strand). VCF-style: chr9-36218209-G-A. GRCh37 (hg19) VCF-style: chr9-36218206-G-A.
Other names: c.2000C>T, p.Ala667Val (NM_001128227.3); c.1685C>T, p.Ala562Val (NM_001190383.3); c.1577C>T, p.Ala526Val (NM_001190384.3); c.1730C>T, p.Ala577Val (NM_001190388.2, NM_001374798.1); c.1754C>T, p.Ala585Val (NM_001374797.1); short protein forms A636V, A667V, A526V, A562V, A577V, A585V.
Identifiers: ClinVar variation 499322 (VCV000499322.13), dbSNP rs756488394, ClinGen allele CA5056396.